The following is an entry in ClinVar:

NM_139057.4(ADAMTS17):c.3138C>T (p.Thr1046=)

Gene: ADAMTS17 (ADAM metallopeptidase with thrombospondin type 1 motif 17; minus strand). Cytogenetic location: 15q26.3.
Variant type: single nucleotide variant.
Coding change: c.3138C>T on transcript NM_139057.4 (MANE Select); coding-DNA position 3138, C replaced by T.
Protein change: p.Thr1046=; no amino-acid change (threonine 1046 retained).
Molecular consequence: synonymous variant.
Genome position (GRCh38, 1-based): chr15:99,974,552, G>A on the plus strand (C>T on the coding strand, the complement: ADAMTS17 is on the minus strand). VCF-style: chr15-99974552-G-A. GRCh37 (hg19) VCF-style: chr15-100514757-G-A.
Other names: p.Thr1046=.
Identifiers: ClinVar variation 315252 (VCV000315252.16), dbSNP rs112214202, ClinGen allele CA7757452.

ClinVar aggregate classification (germline): Benign. Review status: criteria provided, multiple submitters, no conflicts (2 of 4 stars). 4 submissions from 4 submitters: Benign (4). Last evaluated 2026-01-25.

Conditions:
Weill-Marchesani 4 syndrome, recessive. Also called: Weill-Marchesani syndrome 4. Identifiers: Orphanet 363992, MedGen C2750787, MONDO:0013176, OMIM 613195.

Allele frequency attached by ClinVar (database versions not stated): 1000 Genomes Project 0.01258; 1000 Genomes Project 30x 0.01280; TOPMed 0.01383; ESP Exome Variant Server 0.01607.

Submissions (4):

Labcorp Genetics (formerly Invitae), Labcorp
Classification: Benign. Last evaluated: 2026-01-25. Review status: criteria provided, single submitter. Criteria: Invitae Variant Classification Sherloc (09022015). Collection method: clinical testing. Allele origin: germline.

Mayo Clinic Laboratories, Mayo Clinic
Classification: Benign. Last evaluated: 2023-10-31. Review status: criteria provided, single submitter. Criteria: ACMG Guidelines, 2015. Collection method: clinical testing. Allele origin: germline. Observed: 6 variant alleles.
Comment: BS1, BS2, BP4, BP7

Illumina Laboratory Services, Illumina
Classification: Benign for Weill-Marchesani 4 syndrome, recessive. Last evaluated: 2018-01-12. Review status: criteria provided, single submitter. Criteria: ICSL Variant Classification Criteria 13 December 2019. Collection method: clinical testing. Allele origin: germline.
Comment: This variant was observed in the ICSL laboratory as part of a predisposition screen in an ostensibly healthy population. It had not been previously curated by ICSL or reported in the Human Gene Mutation Database (HGMD: prior to June 1st, 2018), and was therefore a candidate for classification through an automated scoring system. Utilizing variant allele frequency, disease prevalence and penetrance estimates, and inheritance mode, an automated score was calculated to assess if this variant is too frequent to cause the disease. Based on the score and internal cut-off values, a variant classified as benign is not then subjected to further curation. The score for this variant resulted in a classification of benign for this disease.

Breakthrough Genomics
Classification: Benign. Review status: criteria provided, single submitter. Criteria: ACMG Guidelines, 2015. Collection method: not provided. Allele origin: germline. Inheritance: Autosomal recessive inheritance. Affected: yes.